The following is an entry in ClinVar:

ClinVar aggregate classification (germline): Uncertain significance (1 of 4 stars; one submission).

Submission:

Labcorp Genetics (formerly Invitae), Labcorp
Classification: Uncertain significance. Last evaluated: 2023-12-18. Review status: criteria provided, single submitter. Criteria: Invitae Variant Classification Sherloc (09022015). Collection method: clinical testing. Allele origin: germline.
Comment: This variant, c.3693_3719del, results in the deletion of 9 amino acid(s) of the MYH7B protein (p.His1234_Arg1242del), but otherwise preserves the integrity of the reading frame. This variant is present in population databases (rs755232858, gnomAD 0.02%). This variant has not been reported in the literature in individuals affected with MYH7B-related conditions. Experimental studies and prediction algorithms are not available or were not evaluated, and the functional significance of this variant is currently unknown. In summary, the available evidence is currently insufficient to determine the role of this variant in disease. Therefore, it has been classified as a Variant of Uncertain Significance.

NM_020884.7(MYH7B):c.3567_3593del (p.His1192_Arg1200del)

Gene: MYH7B (myosin heavy chain 7B; plus strand). Cytogenetic location: 20q11.22.
Variant type: Deletion.
Coding change: c.3567_3593del on transcript NM_020884.7 (MANE Select); coding-DNA positions 3567 to 3593, 27 bases deleted (GCTGCGGCACGAGGCCACAGTGGCGGC).
Protein change: p.His1192_Arg1200del.
Molecular consequence: inframe deletion.
Genome position (GRCh38, 1-based): chr20:34,997,460-34,997,486, GCTGCGGCACGAGGCCACAGTGGCGGC deleted; deleting any 27 consecutive bases within chr20:34,997,454-34,997,486 gives the same sequence; the c. name uses the placement nearest the transcript's 3' end. VCF-style (leftmost placement, unchanged base first): chr20-34997453-AGGCGGCGCTGCGGCACGAGGCCACAGT-A. GRCh37 (hg19) VCF-style: chr20-33585256-AGGCGGCGCTGCGGCACGAGGCCACAGT-A.
Identifiers: ClinVar variation 2904824 (VCV002904824.1), dbSNP rs755232858, ClinGen allele CA9827760.
Genomic context (GRCh38, chr20:34,997,453, plus strand): 5'-AGCGCGAGGGCTGCCGCAAGCGGGAGGCGGAGCTGGGGAGGCTGCGGCGGGAGCTGGAGG[AGGCGGCGCTGCGGCACGAGGCCACAGT>A]GGCGGCACTGCGGCGCAAGCAGGCGGAGGGCGCGGCGGAGCTGGGGGAGCAGGTGGACAG-3'